The following is an entry in ClinVar:

ClinVar aggregate classification (germline): Uncertain significance (1 of 4 stars; one submission).

Allele frequency attached by ClinVar (database versions not stated): gnomAD 0.00002; gnomAD exomes 0.00005; TOPMed 0.00005; ExAC 0.00006.
gnomAD v4.1: 32 of 1,613,924 alleles (0.002%); highest among the groups gnomAD compares: Admixed American, 0.052%; no homozygotes.

Submission:

Ambry Genetics
Classification: Uncertain significance. Last evaluated: 2024-11-23. Review status: criteria provided, single submitter. Criteria: Ambry Variant Classification Scheme 2023. Collection method: clinical testing. Allele origin: germline.
Comment: The p.Q1291E variant (also known as c.3871C>G), located in coding exon 14 of the CDK12 gene, results from a C to G substitution at nucleotide position 3871. The glutamine at codon 1291 is replaced by glutamic acid, an amino acid with highly similar properties. This amino acid position is conserved. In addition, the in silico prediction for this alteration is inconclusive. Based on the available evidence, the clinical significance of this variant remains unclear.

NM_016507.4(CDK12):c.3871C>G (p.Gln1291Glu)

Gene: CDK12 (cyclin dependent kinase 12; plus strand). Cytogenetic location: 17q12.
Variant type: single nucleotide variant.
Coding change: c.3871C>G on transcript NM_016507.4 (MANE Select); coding-DNA position 3871, C replaced by G.
Protein change: p.Gln1291Glu; replaces glutamine 1291 with glutamic acid.
Molecular consequence: missense variant.
Genome position (GRCh38, 1-based): chr17:39,530,714, C>G. VCF-style: chr17-39530714-C-G. GRCh37 (hg19) VCF-style: chr17-37686967-C-G.
Other names: c.3844C>G, p.Gln1282Glu (NM_015083.4); short protein forms Q1282E, Q1291E.
Identifiers: ClinVar variation 3141478 (VCV003141478.2), dbSNP rs777841575, ClinGen allele CA8531620.